The following is an entry in ClinVar:

NM_000395.3(CSF2RB):c.587C>A (p.Thr196Asn)

Gene: CSF2RB (colony stimulating factor 2 receptor subunit beta; plus strand). Cytogenetic location: 22q12.3.
Variant type: single nucleotide variant.
Coding change: c.587C>A on transcript NM_000395.3 (MANE Select); coding-DNA position 587, C replaced by A.
Protein change: p.Thr196Asn; replaces threonine 196 with asparagine.
Molecular consequence: missense variant.
Genome position (GRCh38, 1-based): chr22:36,929,676, C>A. VCF-style: chr22-36929676-C-A. GRCh37 (hg19) VCF-style: chr22-37325718-C-A.
Other names: c.587C>A (NM_000395.2); short protein forms T196N.
Identifiers: ClinVar variation 1482263 (VCV001482263.8), dbSNP rs748941609, ClinGen allele CA10213522.
Genomic context (GRCh38, chr22:36,929,676, plus strand): 5'-CAGCACCCACTGTCTCCTGACAGGACGCAGCCATCCTCCTCTCCAACACCTCCCAGGCCA[C>A]CCTGGGGCCAGAGCACCTCATGCCCAGCAGCACCTACGTGGCCCGAGTACGGACCCGCCT-3'
Protein context (NP_000386.1, residues 186-206): AILLSNTSQA[Thr196Asn]LGPEHLMPSS

ClinVar aggregate classification (germline): Uncertain significance. Review status: criteria provided, multiple submitters, no conflicts (2 of 4 stars). 3 submissions from 3 submitters: Uncertain significance (3). Last evaluated 2026-01-22.

Conditions:
Inborn genetic diseases. Identifiers: MedGen C0950123, MeSH D030342.
Surfactant metabolism dysfunction, pulmonary, 5 (SMDP5). Also called: PULMONARY ALVEOLAR PROTEINOSIS 5; PAP DUE TO CSF2RB DEFICIENCY; CSF2RB DEFICIENCY. Identifiers: Orphanet 264675, MedGen C3280574, MONDO:0013712, OMIM 614370.

Allele frequency attached by ClinVar (database versions not stated): gnomAD 0.00001; TOPMed 0.00009; ExAC 0.00013.
gnomAD v4.1: 45 of 1,614,100 alleles (0.0028%); highest among the groups gnomAD compares: Admixed American, 0.075%; no homozygotes.

Submissions (3):

Labcorp Genetics (formerly Invitae), Labcorp
Classification: Uncertain significance. Last evaluated: 2026-01-22. Review status: criteria provided, single submitter. Criteria: Invitae Variant Classification Sherloc (09022015). Collection method: clinical testing. Allele origin: germline.
Comment: This sequence change replaces threonine, which is neutral and polar, with asparagine, which is neutral and polar, at codon 196 of the CSF2RB protein (p.Thr196Asn). This variant is present in population databases (rs748941609, gnomAD 0.1%), and has an allele count higher than expected for a pathogenic variant. This variant has not been reported in the literature in individuals affected with CSF2RB-related conditions. ClinVar contains an entry for this variant (Variation ID: 1482263). Invitae Evidence Modeling of protein sequence and biophysical properties (such as structural, functional, and spatial information, amino acid conservation, physicochemical variation, residue mobility, and thermodynamic stability) indicates that this missense variant is not expected to disrupt CSF2RB protein function with a negative predictive value of 80%. In summary, the available evidence is currently insufficient to determine the role of this variant in disease. Therefore, it has been classified as a Variant of Uncertain Significance.

Ambry Genetics
Classification: Uncertain significance for Inborn genetic diseases. Last evaluated: 2024-12-21. Review status: criteria provided, single submitter. Criteria: Ambry Variant Classification Scheme 2023. Collection method: clinical testing. Allele origin: germline.

Center for Genomics, Ann and Robert H. Lurie Children's Hospital of Chicago
Classification: Uncertain significance for Surfactant metabolism dysfunction, pulmonary, 5. Last evaluated: 2022-10-13. Review status: criteria provided, single submitter. Criteria: ACMG Guidelines, 2015. Collection method: clinical testing. Allele origin: germline.
Comment: This variant has not been reported in the literature but is present in the Genome Aggregation Database (Highest reported MAF: 0.1% [40/34578]), and in ClinVar (Variation ID: 1482263). Evolutionary conservation and computational predictive tools suggest that this variant may not impact the protein. In summary, data on this variant is insufficient for disease classification. Therefore, the clinical significance of this variant is uncertain.